The following is an entry in ClinVar:

NM_002890.3(RASA1):c.672G>A (p.Met224Ile)

Genes: CCNH (cyclin H; minus strand), RASA1 (RAS p21 protein activator 1; plus strand). Cytogenetic location: 5q14.3.
Variant type: single nucleotide variant.
Coding change: c.672G>A on transcript NM_002890.3 (MANE Select); coding-DNA position 672, G replaced by A.
Protein change: p.Met224Ile; replaces methionine 224 with isoleucine.
Molecular consequence: missense variant. On other transcripts: intron variant (1).
Genome position (GRCh38, 1-based): chr5:87,331,480, G>A. VCF-style: chr5-87331480-G-A. GRCh37 (hg19) VCF-style: chr5-86627297-G-A.
Other names: c.141G>A, p.Met47Ile (NM_022650.3); c.934-18685C>T (NM_001364075.2); short protein forms M224I, M47I.
Identifiers: ClinVar variation 2421944 (VCV002421944.42), dbSNP rs1757595277, ClinGen allele CA360376408.

ClinVar aggregate classification (germline): Uncertain significance (1 of 4 stars; one submission).

Conditions:
Capillary malformation-arteriovenous malformation syndrome. Also called: Capillary malformation-arteriovenous malformation. Identifiers: Orphanet 137667, MedGen C1842180, MONDO:0012016.

Allele frequency attached by ClinVar (database versions not stated): gnomAD exomes 0.00001; gnomAD 0.00001; TOPMed below 0.00001.
gnomAD v4.1: 9 of 1,613,730 alleles (0.00056%); highest among the groups gnomAD compares: Non-Finnish European, 0.00076%; no homozygotes.

Submission:

Labcorp Genetics (formerly Invitae), Labcorp
Classification: Uncertain significance for Capillary malformation-arteriovenous malformation syndrome. Last evaluated: 2025-09-04. Review status: criteria provided, single submitter. Criteria: Invitae Variant Classification Sherloc (09022015). Collection method: clinical testing. Allele origin: germline.
Comment: This sequence change replaces methionine, which is neutral and non-polar, with isoleucine, which is neutral and non-polar, at codon 224 of the RASA1 protein (p.Met224Ile). This variant is not present in population databases (gnomAD no frequency). This variant has not been reported in the literature in individuals affected with RASA1-related conditions. ClinVar contains an entry for this variant (Variation ID: 2421944). An algorithm developed to predict the effect of missense changes on protein structure and function (PolyPhen-2) suggests that this variant is likely to be tolerated. In summary, the available evidence is currently insufficient to determine the role of this variant in disease. Therefore, it has been classified as a Variant of Uncertain Significance.